The following is an entry in ClinVar:

NM_002693.3(POLG):c.2699C>T (p.Ala900Val)

Gene: POLG (DNA polymerase gamma, catalytic subunit; minus strand). Cytogenetic location: 15q26.1.
Variant type: single nucleotide variant.
Coding change: c.2699C>T on transcript NM_002693.3 (MANE Select); coding-DNA position 2699, C replaced by T.
Protein change: p.Ala900Val; replaces alanine 900 with valine.
Molecular consequence: missense variant.
Genome position (GRCh38, 1-based): chr15:89,321,160, G>A on the plus strand (C>T on the coding strand, the complement: POLG is on the minus strand). VCF-style: chr15-89321160-G-A. GRCh37 (hg19) VCF-style: chr15-89864391-G-A.
Other names: c.2699C>T, p.Ala900Val (NM_001126131.2); short protein forms A900V.
Identifiers: ClinVar variation 3699348 (VCV003699348.2).

ClinVar aggregate classification (germline): Uncertain significance (1 of 4 stars; one submission).

Conditions:
Progressive sclerosing poliodystrophy (MTDPS4A). Also called: ALPERS PROGRESSIVE INFANTILE POLIODYSTROPHY; NEURONAL DEGENERATION OF CHILDHOOD WITH LIVER DISEASE, PROGRESSIVE; Alpers Syndrome; ALPERS DIFFUSE DEGENERATION OF CEREBRAL GRAY MATTER WITH HEPATIC CIRRHOSIS; Alpers-Huttenlocher Syndrome; Mitochondrial DNA depletion syndrome 4A (Alpers type). Identifiers: Orphanet 726, MedGen C0205710, MONDO:0008758, OMIM 203700.

Submission:

Labcorp Genetics (formerly Invitae), Labcorp
Classification: Uncertain significance for Progressive sclerosing poliodystrophy. Last evaluated: 2024-07-11. Review status: criteria provided, single submitter. Criteria: Invitae Variant Classification Sherloc (09022015). Collection method: clinical testing. Allele origin: germline.
Comment: This sequence change replaces alanine, which is neutral and non-polar, with valine, which is neutral and non-polar, at codon 900 of the POLG protein (p.Ala900Val). This variant is not present in population databases (gnomAD no frequency). This variant has not been reported in the literature in individuals affected with POLG-related conditions. Advanced modeling of protein sequence and biophysical properties (such as structural, functional, and spatial information, amino acid conservation, physicochemical variation, residue mobility, and thermodynamic stability) performed at Invitae indicates that this missense variant is expected to disrupt POLG protein function with a positive predictive value of 95%. In summary, the available evidence is currently insufficient to determine the role of this variant in disease. Therefore, it has been classified as a Variant of Uncertain Significance.